The following is an entry in ClinVar:

NM_006766.5(KAT6A):c.5701G>C (p.Val1901Leu)

Gene: KAT6A (lysine acetyltransferase 6A; minus strand). Cytogenetic location: 8p11.21.
Variant type: single nucleotide variant.
Coding change: c.5701G>C on transcript NM_006766.5 (MANE Select); coding-DNA position 5701, G replaced by C.
Protein change: p.Val1901Leu; replaces valine 1901 with leucine.
Molecular consequence: missense variant.
Genome position (GRCh38, 1-based): chr8:41,932,519, C>G on the plus strand (G>C on the coding strand, the complement: KAT6A is on the minus strand). VCF-style: chr8-41932519-C-G. GRCh37 (hg19) VCF-style: chr8-41790037-C-G.
Other names: short protein forms V1901L.
Identifiers: ClinVar variation 2501340 (VCV002501340.1), dbSNP rs545610943, ClinGen allele CA371060792.

ClinVar aggregate classification (germline): Uncertain significance (1 of 4 stars; one submission).

Submission:

GeneDx
Classification: Uncertain significance. Last evaluated: 2022-11-02. Review status: criteria provided, single submitter. Criteria: GeneDx Variant Classification Process June 2021. Collection method: clinical testing. Allele origin: germline. Affected: yes.
Comment: Not observed at significant frequency in large population cohorts (gnomAD); In silico analysis supports that this missense variant does not alter protein structure/function; Has not been previously published as pathogenic or benign to our knowledge